The following is an entry in ClinVar:

ClinVar aggregate classification (germline): Uncertain significance (1 of 4 stars; one submission).

Allele frequency attached by ClinVar (database versions not stated): gnomAD exomes below 0.00001.
gnomAD v4.1: 1 of 1,588,512 alleles (0.000063%); highest among the groups gnomAD compares: Non-Finnish European, 0.000086%; no homozygotes.

Submission:

GeneDx
Classification: Uncertain significance. Last evaluated: 2022-07-08. Review status: criteria provided, single submitter. Criteria: GeneDx Variant Classification Process June 2021. Collection method: clinical testing. Allele origin: germline. Affected: yes.
Comment: Not observed at significant frequency in large population cohorts (gnomAD); In silico analysis supports that this variant does not alter splicing; Has not been previously published as pathogenic or benign to our knowledge

NM_001370298.3(FGD4):c.2313G>A (p.Glu771=)

Gene: FGD4 (FYVE, RhoGEF and PH domain containing 4; plus strand). Cytogenetic location: 12p11.21.
Variant type: single nucleotide variant.
Coding change: c.2313G>A on transcript NM_001370298.3 (MANE Select); coding-DNA position 2313, G replaced by A.
Protein change: p.Glu771=; no amino-acid change (glutamic acid 771 retained).
Molecular consequence: synonymous variant.
Genome position (GRCh38, 1-based): chr12:32,633,689, G>A. VCF-style: chr12-32633689-G-A. GRCh37 (hg19) VCF-style: chr12-32786623-G-A.
Other names: c.2157G>A, p.Glu719= (NM_001304481.2); c.1158G>A, p.Glu386= (NM_001304483.2); c.870G>A, p.Glu290= (NM_001304484.2); c.1623G>A, p.Glu541= (NM_001330373.2, NM_001330374.2, NM_001384130.1); c.1350G>A, p.Glu450= (NM_001370297.1); c.2313G>A, p.Glu771= (NM_001384126.1); c.1902G>A, p.Glu634= (NM_001384127.1, NM_001384128.1, NM_001385118.1 and 1 more transcripts).
Identifiers: ClinVar variation 1810656 (VCV001810656.1), dbSNP rs2540825567, ClinGen allele CA479169749.